The following is an entry in ClinVar:

NM_005732.4(RAD50):c.3021T>A (p.Asp1007Glu)

Gene: RAD50 (RAD50 double strand break repair protein; plus strand). Cytogenetic location: 5q31.1.
Variant type: single nucleotide variant.
Coding change: c.3021T>A on transcript NM_005732.4 (MANE Select); coding-DNA position 3021, T replaced by A.
Protein change: p.Asp1007Glu; replaces aspartic acid 1007 with glutamic acid.
Molecular consequence: missense variant.
Genome position (GRCh38, 1-based): chr5:132,609,381, T>A. VCF-style: chr5-132609381-T-A. GRCh37 (hg19) VCF-style: chr5-131945073-T-A.
Other names: short protein forms D1007E.
Identifiers: ClinVar variation 187321 (VCV000187321.5), dbSNP rs786203639, ClinGen allele CA197348.

ClinVar aggregate classification (germline): Uncertain significance (1 of 4 stars; one submission).

Conditions:
Hereditary cancer-predisposing syndrome. Also called: Neoplastic Syndromes, Hereditary; Tumor predisposition; Hereditary Cancer Syndrome; Hereditary neoplastic syndrome. Identifiers: Orphanet 140162, MedGen C0027672, MeSH D009386, MONDO:0015356.

Submission:

Ambry Genetics
Classification: Uncertain significance for Hereditary cancer-predisposing syndrome. Last evaluated: 2014-12-02. Review status: criteria provided, single submitter. Criteria: Ambry Variant Classification Scheme 2023. Collection method: clinical testing. Allele origin: germline.
Comment: The p.D1007E variant (also known as c.3021T>A), located in coding exon 19 of the RAD50 gene, results from a T to A substitution at nucleotide position 3021. The aspartic acid at codon 1007 is replaced by glutamic acid, an amino acid with highly similar properties. This variant was not reported in population based cohorts in the following databases: Database of Single Nucleotide Polymorphisms (dbSNP), NHLBI Exome Sequencing Project (ESP), and 1000 Genomes Project. In the ESP, this variant was not observed in 6498 samples (12996 alleles) with coverage at this position. To date, this alteration has been detected with an allele frequency of approximately 0.003% (greater than 40000 alleles tested) in our clinical cohort. This nucleotide position is not well conserved in available vertebrate species. This amino acid position is highly conserved in available vertebrate species. In addition, this alteration is predicted to be tolerated by in silico analysis. Since supporting evidence is limited at this time, the clinical significance of p.D1007E remains unclear.